The following is an entry in ClinVar:

NM_020151.4(STARD7):c.1075G>T (p.Glu359Ter)

Gene: STARD7 (StAR related lipid transfer domain containing 7; minus strand). Cytogenetic location: 2q11.2.
Variant type: single nucleotide variant.
Coding change: c.1075G>T on transcript NM_020151.4 (MANE Select); coding-DNA position 1075, G replaced by T.
Protein change: p.Glu359Ter; replaces glutamic acid 359 with a stop codon.
Molecular consequence: nonsense.
Genome position (GRCh38, 1-based): chr2:96,186,768, C>A on the plus strand (G>T on the coding strand, the complement: STARD7 is on the minus strand). VCF-style: chr2-96186768-C-A. GRCh37 (hg19) VCF-style: chr2-96852506-C-A.
Other names: c.772G>T, p.Glu258Ter (NM_001385622.1); short protein forms E258*, E359*.
Identifiers: ClinVar variation 4885256 (VCV004885256.2).
Genomic context (GRCh38, chr2:96,186,768, plus strand): 5'-TCCCTTCTTATCCCAAAGCCTGTCAAGCATACTCAATCCGAGCAGGGCCACAGCTGCCCT[C>A]GTTCTTTCGCTCAGAGGACTGGCTGGTGGCCTTGGCTTCACTACTCATTTCCAGAGGCTT-3'

ClinVar aggregate classification (germline): Uncertain significance (1 of 4 stars; one submission).

Submission:

Dasa
Classification: Uncertain significance. Last evaluated: 2026-01-06. Review status: criteria provided, single submitter. Criteria: DASA Assertion Criteria. Collection method: clinical testing. Allele origin: germline.
Comment: NM_020151.4(STARD7):c.1075G>T (p.Glu359*) is a nonsense variant in STARD7 predicted to introduce a premature termination codon. This variant is rare in population databases. The currently available literature and clinical evidence are not sufficient to establish a definitive association between this variant and the reported condition. Therefore, this variant is classified as a variant of uncertain significance.